The following is an entry in ClinVar:

NM_001371623.1(TCOF1):c.4364_4368del (p.Lys1455fs)

Gene: TCOF1 (treacle ribosome biogenesis factor 1; plus strand). Cytogenetic location: 5q32.
Variant type: Deletion.
Coding change: c.4364_4368del on transcript NM_001371623.1 (MANE Select); coding-DNA positions 4364 to 4368, 5 bases deleted (AAAAA; older notation c.4364_4368delAAAAA).
Protein change: p.Lys1455fs; shifts the reading frame from lysine 1455.
Molecular consequence: frameshift variant.
Genome position (GRCh38, 1-based): chr5:150,398,372-150,398,376, AAAAA deleted; deleting any 5 consecutive bases within chr5:150,398,369-150,398,376 gives the same sequence; the c. name uses the placement nearest the transcript's 3' end. VCF-style (leftmost placement, unchanged base first): chr5-150398368-GAAAAA-G. GRCh37 (hg19) VCF-style: chr5-149777931-GAAAAA-G.
Other names: c.4361_4365delAAAAA (NM_001135243.1); c.4130_4134del, p.Lys1377fs (NM_000356.4); c.4361_4365del, p.Lys1454fs (NM_001135243.2); c.4250_4254del, p.Lys1417fs (NM_001135244.2); c.4133_4137del, p.Lys1378fs (NM_001135245.2); c.4247_4251del, p.Lys1416fs (NM_001195141.2); c.4361_4365del5 (NM_001135243.1); short protein forms K1416fs, K1454fs, K1377fs, K1378fs, K1417fs, K1455fs.
Identifiers: ClinVar variation 660987 (VCV000660987.10), dbSNP rs587776585, ClinGen allele CA915942668.

ClinVar aggregate classification (germline): Pathogenic. Review status: criteria provided, multiple submitters, no conflicts (2 of 4 stars). 2 submissions from 2 submitters: Pathogenic (2). Last evaluated 2026-07-24.

Conditions:
Treacher Collins syndrome 1 (TCS1). Also called: TCOF1-Related Treacher Collins Syndrome. Identifiers: Orphanet 861, MedGen CN315775, MONDO:0007944, OMIM 154500.
TCOF1-related disorder. Also called: TCOF1-related condition.

Submissions (2):

PreventionGenetics, part of Exact Sciences
Classification: Pathogenic for TCOF1-related condition. Last evaluated: 2026-07-24. Review status: criteria provided, single submitter. Criteria: ACMG Guidelines, 2015. Collection method: clinical testing. Allele origin: germline.
Comment: The TCOF1 c.4361_4365del5 variant is predicted to result in a frameshift and premature protein termination (p.Lys1454Argfs*15). This variant has been reported in an individual with familial Treacher Collins syndrome (Edwards et al. 1997. PubMed ID: 9042910, referred to as nt4130 del(AAAAA); Splendor et al. 2002. PubMed ID: 12114482, referred to as c.4130_4134delAAAAA; Masotti et al. 2009. PubMed ID: 20003452). This variant has not been reported in a large population database (gnomAD), indicating this variant is rare. Frameshift variants in TCOF1 are expected to be pathogenic. This variant is interpreted as pathogenic.

Labcorp Genetics (formerly Invitae), Labcorp
Classification: Pathogenic for Treacher Collins syndrome 1. Last evaluated: 2018-09-17. Review status: criteria provided, single submitter. Criteria: Invitae Variant Classification Sherloc (09022015). Collection method: clinical testing. Allele origin: germline.
Comment: For these reasons, this variant has been classified as Pathogenic. Loss-of-function variants in TCOF1 are known to be pathogenic (PMID: 8894686, 22317976). This variant has been observed in several individuals affected with Treacher-Collins syndrome (TCS) (PMID: 9042910, 20003452, 12114482, Invitae). This variant is also known as nt4130 del(AAAAA) and c.4130-4134delAAAAA in the literature. This variant is not present in population databases (ExAC no frequency). This sequence change creates a premature translational stop signal (p.Lys1454Argfs*15) in the TCOF1 gene. It is expected to result in an absent or disrupted protein product.

Literature cited by the submitters: PubMed 8894686 (cited by Labcorp Genetics (formerly Invitae), Labcorp); PubMed 22317976 (cited by Labcorp Genetics (formerly Invitae), Labcorp); PubMed 9042910 (cited by Labcorp Genetics (formerly Invitae), Labcorp); PubMed 20003452 (cited by Labcorp Genetics (formerly Invitae), Labcorp); PubMed 12114482 (cited by Labcorp Genetics (formerly Invitae), Labcorp).